The following is an entry in ClinVar:

ClinVar aggregate classification (germline): Uncertain significance (1 of 4 stars; one submission).

Allele frequency attached by ClinVar (database versions not stated): gnomAD exomes below 0.00001.
gnomAD v4.1: 1 of 1,613,554 alleles (0.000062%); highest among the groups gnomAD compares: Non-Finnish European, 0.000085%; no homozygotes.

Submission:

GeneDx
Classification: Uncertain significance. Last evaluated: 2020-09-30. Review status: criteria provided, single submitter. Criteria: GeneDx Variant Classification Process June 2021. Collection method: clinical testing. Allele origin: germline. Affected: yes.
Comment: Not observed in large population cohorts (Lek et al., 2016); In silico analysis supports that this missense variant has a deleterious effect on protein structure/function; Has not been previously published as pathogenic or benign to our knowledge

NM_017882.3(CLN6):c.875G>A (p.Gly292Asp)

Gene: CLN6 (CLN6 transmembrane ER protein; minus strand). Cytogenetic location: 15q23.
Variant type: single nucleotide variant.
Coding change: c.875G>A on transcript NM_017882.3 (MANE Select); coding-DNA position 875, G replaced by A.
Protein change: p.Gly292Asp; replaces glycine 292 with aspartic acid.
Molecular consequence: missense variant.
Genome position (GRCh38, 1-based): chr15:68,208,201, C>T on the plus strand (G>A on the coding strand, the complement: CLN6 is on the minus strand). VCF-style: chr15-68208201-C-T. GRCh37 (hg19) VCF-style: chr15-68500539-C-T.
Other names: short protein forms G292D.
Identifiers: ClinVar variation 1303625 (VCV001303625.2), dbSNP rs1399309224, ClinGen allele CA392971673.